The following is an entry in ClinVar:

ClinVar aggregate classification (germline): Uncertain significance (1 of 4 stars; one submission).

Allele frequency attached by ClinVar (database versions not stated): gnomAD 0.00001; gnomAD exomes 0.00001; TOPMed 0.00001; ExAC 0.00006; ESP Exome Variant Server 0.00008.
gnomAD v4.1: 7 of 1,581,338 alleles (0.00044%); highest among the groups gnomAD compares: Non-Finnish European, 0.0006%; no homozygotes.

Submission:

Labcorp Genetics (formerly Invitae), Labcorp
Classification: Uncertain significance. Last evaluated: 2023-10-17. Review status: criteria provided, single submitter. Criteria: Invitae Variant Classification Sherloc (09022015). Collection method: clinical testing. Allele origin: germline.
Comment: This sequence change replaces histidine, which is basic and polar, with arginine, which is basic and polar, at codon 3887 of the HSPG2 protein (p.His3887Arg). The frequency data for this variant in the population databases is considered unreliable, as metrics indicate poor data quality at this position in the gnomAD database. This variant has not been reported in the literature in individuals affected with HSPG2-related conditions. An algorithm developed to predict the effect of missense changes on protein structure and function (PolyPhen-2) suggests that this variant¬†is likely to be tolerated. In summary, the available evidence is currently insufficient to determine the role of this variant in disease. Therefore, it has been classified as a Variant of Uncertain Significance.

NM_005529.7(HSPG2):c.11660A>G (p.His3887Arg)

Gene: HSPG2 (heparan sulfate proteoglycan 2; minus strand). Cytogenetic location: 1p36.12.
Variant type: single nucleotide variant.
Coding change: c.11660A>G on transcript NM_005529.7 (MANE Select); coding-DNA position 11660, A replaced by G.
Protein change: p.His3887Arg; replaces histidine 3887 with arginine.
Molecular consequence: missense variant.
Genome position (GRCh38, 1-based): chr1:21,830,993, T>C on the plus strand (A>G on the coding strand, the complement: HSPG2 is on the minus strand). VCF-style: chr1-21830993-T-C. GRCh37 (hg19) VCF-style: chr1-22157486-T-C.
Other names: c.11663A>G, p.His3888Arg (NM_001291860.2); short protein forms H3887R, H3888R.
Identifiers: ClinVar variation 2966062 (VCV002966062.1), dbSNP rs373815889, ClinGen allele CA669697.